The following is an entry in ClinVar:

ClinVar aggregate classification (germline): Uncertain significance (1 of 4 stars; one submission).

Conditions:
Early-onset Parkinson disease 20. Also called: PARKINSON DISEASE 20, AUTOSOMAL RECESSIVE EARLY-ONSET. Identifiers: Orphanet 391411, MedGen C3809824, MONDO:0014233, OMIM 615530.
Developmental and epileptic encephalopathy, 53. Also called: Epileptic encephalopathy, early infantile, 53. Identifiers: MedGen C4479313, MONDO:0033362, OMIM 617389.

Allele frequency attached by ClinVar (database versions not stated): gnomAD exomes below 0.00001 and 0.00001; TOPMed below 0.00001; gnomAD 0.00001.
gnomAD v4.1: 2 of 1,468,586 alleles (0.00014%); highest among the groups gnomAD compares: African/African-American, 0.0029%; no homozygotes.

Submission:

Labcorp Genetics (formerly Invitae), Labcorp
Classification: Uncertain significance for Developmental and epileptic encephalopathy, 53; Early-onset Parkinson disease 20. Last evaluated: 2022-10-17. Review status: criteria provided, single submitter. Criteria: Invitae Variant Classification Sherloc (09022015). Collection method: clinical testing. Allele origin: germline.
Comment: ClinVar contains an entry for this variant (Variation ID: 544558). Advanced modeling of protein sequence and biophysical properties (such as structural, functional, and spatial information, amino acid conservation, physicochemical variation, residue mobility, and thermodynamic stability) performed at Invitae indicates that this missense variant is not expected to disrupt SYNJ1 protein function. In summary, the available evidence is currently insufficient to determine the role of this variant in disease. Therefore, it has been classified as a Variant of Uncertain Significance. This variant has not been reported in the literature in individuals affected with SYNJ1-related conditions. The frequency data for this variant in the population databases is considered unreliable, as metrics indicate poor data quality at this position in the gnomAD database. This sequence change replaces proline, which is neutral and non-polar, with serine, which is neutral and polar, at codon 1141 of the SYNJ1 protein (p.Pro1141Ser).

NM_203446.3(SYNJ1):c.3304C>T (p.Pro1102Ser)

Gene: SYNJ1 (synaptojanin 1; minus strand). Cytogenetic location: 21q22.11.
Variant type: single nucleotide variant.
Coding change: c.3304C>T on transcript NM_203446.3 (MANE Select); coding-DNA position 3304, C replaced by T.
Protein change: p.Pro1102Ser; replaces proline 1102 with serine.
Molecular consequence: missense variant.
Genome position (GRCh38, 1-based): chr21:32,645,733, G>A on the plus strand (C>T on the coding strand, the complement: SYNJ1 is on the minus strand). VCF-style: chr21-32645733-G-A. GRCh37 (hg19) VCF-style: chr21-34018043-G-A.
Other names: c.3304C>T, p.Pro1102Ser (NM_001160302.2); c.3289C>T, p.Pro1097Ser (NM_001160306.2); c.3421C>T, p.Pro1141Ser (NM_003895.4); short protein forms P1141S, P1102S, P1097S.
Identifiers: ClinVar variation 544558 (VCV000544558.11), dbSNP rs1368672974, ClinGen allele CA410068343.